The following is an entry in ClinVar:

ClinVar aggregate classification (germline): Uncertain significance (1 of 4 stars; one submission).

Conditions:
IKZF3-related condition.

gnomAD v4.1: 8 of 1,614,040 alleles (0.0005%); highest among the groups gnomAD compares: African/African-American, 0.0027%; no homozygotes.

Submission:

PreventionGenetics, part of Exact Sciences
Classification: Uncertain significance for IKZF3-related condition. Last evaluated: 2025-04-09. Review status: criteria provided, single submitter. Criteria: ACMG Guidelines, 2015. Collection method: clinical testing. Allele origin: germline.
Comment: The IKZF3 c.1234C>T variant is predicted to result in the amino acid substitution p.Arg412Cys. To our knowledge, this variant has not been reported in the literature or in a large population database (gnomAD), indicating this variant is rare. At this time, the clinical significance of this variant is uncertain due to the absence of conclusive functional and genetic evidence.

NM_012481.5(IKZF3):c.1234C>T (p.Arg412Cys)

Gene: IKZF3 (IKAROS family zinc finger 3; minus strand). Cytogenetic location: 17q12.
Variant type: single nucleotide variant.
Coding change: c.1234C>T on transcript NM_012481.5 (MANE Select); coding-DNA position 1234, C replaced by T.
Protein change: p.Arg412Cys; replaces arginine 412 with cysteine.
Molecular consequence: missense variant.
Genome position (GRCh38, 1-based): chr17:39,766,086, G>A on the plus strand (C>T on the coding strand, the complement: IKZF3 is on the minus strand). VCF-style: chr17-39766086-G-A. GRCh37 (hg19) VCF-style: chr17-37922339-G-A.
Other names: c.1132C>T, p.Arg378Cys (NM_001257408.2); c.1015C>T, p.Arg339Cys (NM_001257409.2); c.973C>T, p.Arg325Cys (NM_001257410.2); c.805C>T, p.Arg269Cys (NM_001257411.2); c.688C>T, p.Arg230Cys (NM_001257412.2); c.571C>T, p.Arg191Cys (NM_001257413.2); c.832C>T, p.Arg278Cys (NM_001257414.2); c.493C>T, p.Arg165Cys (NM_001284514.2, NM_001284515.2, NM_001284516.1); and 4 more; short protein forms R325C, R334C, R356C, R165C, R230C, R317C, R191C, R269C.
Identifiers: ClinVar variation 4979907 (VCV004979907.1).